The following is an entry in ClinVar:

ClinVar aggregate classification (germline): Pathogenic (1 of 4 stars; one submission).

Conditions:
Arrhythmogenic right ventricular dysplasia 8 (ARVD8). Also called: Arrhythmogenic Right Ventricular Dysplasia/Cardiomyopathy 8; ARRHYTHMOGENIC RIGHT VENTRICULAR DYSPLASIA, FAMILIAL, 8; ARRHYTHMOGENIC RIGHT VENTRICULAR CARDIOMYOPATHY 8. Identifiers: MedGen C1843896, MONDO:0011831, OMIM 607450.
Arrhythmogenic cardiomyopathy with wooly hair and keratoderma. Also called: Carvajal syndrome; PALMOPLANTAR KERATODERMA WITH LEFT VENTRICULAR CARDIOMYOPATHY AND WOOLLY HAIR; Dilated cardiomyopathy with woolly hair and keratoderma; Arrhythmogenic cardiomyopathy with woolly hair and keratoderma. Identifiers: Orphanet 65282, MedGen C1854063, MONDO:0011581, OMIM 605676.

Submission:

Labcorp Genetics (formerly Invitae), Labcorp
Classification: Pathogenic for Arrhythmogenic cardiomyopathy with wooly hair and keratoderma; Arrhythmogenic right ventricular dysplasia 8. Last evaluated: 2023-10-04. Review status: criteria provided, single submitter. Criteria: Invitae Variant Classification Sherloc (09022015). Collection method: clinical testing. Allele origin: germline.
Comment: This variant is a gross deletion of the genomic region encompassing exon(s) 1 of the DSP gene, which includes the initiator codon. This deletion extends beyond the assayed region for this gene and therefore may encompass additional genes. It is expected to result in an absent or disrupted protein product. Loss-of-function variants in DSP are known to be pathogenic (PMID: 20716751, 24503780, 25227139). This variant has not been reported in the literature in individuals affected with DSP-related conditions. For these reasons, this variant has been classified as Pathogenic.

Literature cited by the submitters: PubMed 20716751; PubMed 24503780; PubMed 25227139.

NC_000006.11:g.(?_7542149)_(7542338_?)del

Gene: DSP (desmoplakin; plus strand). Cytogenetic location: 6p24.3.
Variant type: Deletion.
Identifiers: ClinVar variation 2425104 (VCV002425104.7).